The following is an entry in ClinVar:

ClinVar aggregate classification (germline): Uncertain significance. Review status: criteria provided, multiple submitters, no conflicts (2 of 4 stars). 2 submissions from 2 submitters: Uncertain significance (2). Last evaluated 2025-05-19.

gnomAD v4.1: 29 of 1,614,068 alleles (0.0018%); highest among the groups gnomAD compares: African/African-American, 0.004%; no homozygotes.

Submissions (2):

Labcorp Genetics (formerly Invitae), Labcorp
Classification: Uncertain significance. Last evaluated: 2025-05-19. Review status: criteria provided, single submitter. Criteria: Invitae Variant Classification Sherloc (09022015). Collection method: clinical testing. Allele origin: germline.
Comment: This sequence change replaces threonine, which is neutral and polar, with methionine, which is neutral and non-polar, at codon 421 of the TOP1MT protein (p.Thr421Met). This variant is present in population databases (rs767455564, gnomAD 0.003%). This variant has not been reported in the literature in individuals affected with TOP1MT-related conditions. ClinVar contains an entry for this variant (Variation ID: 3809520). Invitae Evidence Modeling of protein sequence and biophysical properties (such as structural, functional, and spatial information, amino acid conservation, physicochemical variation, residue mobility, and thermodynamic stability) indicates that this missense variant is expected to disrupt TOP1MT protein function with a positive predictive value of 80%. In summary, the available evidence is currently insufficient to determine the role of this variant in disease. Therefore, it has been classified as a Variant of Uncertain Significance.

Ambry Genetics
Classification: Uncertain significance. Last evaluated: 2025-02-07. Review status: criteria provided, single submitter. Criteria: Ambry Variant Classification Scheme 2023. Collection method: clinical testing. Allele origin: germline.

NM_052963.3(TOP1MT):c.1262C>T (p.Thr421Met)

Gene: TOP1MT (DNA topoisomerase I mitochondrial; minus strand). Cytogenetic location: 8q24.3.
Variant type: single nucleotide variant.
Coding change: c.1262C>T on transcript NM_052963.3 (MANE Select); coding-DNA position 1262, C replaced by T.
Protein change: p.Thr421Met; replaces threonine 421 with methionine.
Molecular consequence: missense variant.
Genome position (GRCh38, 1-based): chr8:143,317,791, G>A on the plus strand (C>T on the coding strand, the complement: TOP1MT is on the minus strand). VCF-style: chr8-143317791-G-A. GRCh37 (hg19) VCF-style: chr8-144399961-G-A.
Other names: c.968C>T, p.Thr323Met (NM_001258446.1, NM_001258447.1); short protein forms T323M, T421M.
Identifiers: ClinVar variation 3809520 (VCV003809520.2).